The following is an entry in ClinVar:

ClinVar aggregate classification (germline): Uncertain significance (1 of 4 stars; one submission).

Conditions:
Early-infantile DEE. Also called: Early infantile epileptic encephalopathy; Ohtahara syndrome; Early infantile epileptic encephalopathy with suppression bursts. Identifiers: Orphanet 1934, MedGen C0393706, MONDO:0800491.

Allele frequency attached by ClinVar (database versions not stated): gnomAD exomes below 0.00001; ExAC 0.00001.
gnomAD v4.1: 5 of 1,611,988 alleles (0.00031%); highest among the groups gnomAD compares: South Asian, 0.0044%; no homozygotes.

Submission:

Labcorp Genetics (formerly Invitae), Labcorp
Classification: Uncertain significance for Early-infantile DEE. Last evaluated: 2021-11-06. Review status: criteria provided, single submitter. Criteria: Invitae Variant Classification Sherloc (09022015). Collection method: clinical testing. Allele origin: germline.
Comment: In summary, the available evidence is currently insufficient to determine the role of this variant in disease. Therefore, it has been classified as a Variant of Uncertain Significance. Algorithms developed to predict the effect of missense changes on protein structure and function are either unavailable or do not agree on the potential impact of this missense change (SIFT: "Tolerated"; PolyPhen-2: "Probably Damaging"; Align-GVGD: "Class C0"). This variant has not been reported in the literature in individuals affected with SCN1A-related conditions. This variant is present in population databases (rs750007609, gnomAD 0.0009%). This sequence change replaces tyrosine, which is neutral and polar, with histidine, which is basic and polar, at codon 1374 of the SCN1A protein (p.Tyr1374His).

NM_001165963.4(SCN1A):c.4120T>C (p.Tyr1374His)

Genes: SCN1A (sodium voltage-gated channel alpha subunit 1; minus strand), LOC102724058 (uncharacterized LOC102724058; plus strand). Cytogenetic location: 2q24.3.
Variant type: single nucleotide variant.
Coding change: c.4120T>C on transcript NM_001165963.4 (MANE Select); coding-DNA position 4120, T replaced by C.
Protein change: p.Tyr1374His; replaces tyrosine 1374 with histidine.
Molecular consequence: missense variant. On other transcripts: non-coding transcript variant (1).
Genome position (GRCh38, 1-based): chr2:166,002,636, A>G on the plus strand (T>C on the coding strand, the complement: SCN1A is on the minus strand). VCF-style: chr2-166002636-A-G. GRCh37 (hg19) VCF-style: chr2-166859146-A-G.
Other names: c.4036T>C, p.Tyr1346His (NM_001165964.3, NM_001353957.2, NM_001353958.2); c.4120T>C, p.Tyr1374His (NM_001202435.3, NM_001353948.2); c.4087T>C, p.Tyr1363His (NM_001353949.2, NM_001353950.2, NM_001353951.2 and 2 more transcripts); c.4084T>C, p.Tyr1362His (NM_001353954.2, NM_001353955.2); c.4033T>C, p.Tyr1345His (NM_001353960.2); c.1678T>C, p.Tyr560His (NM_001353961.2); short protein forms Y1345H, Y1362H, Y1374H, Y560H, Y1346H, Y1363H.
Identifiers: ClinVar variation 1499543 (VCV001499543.7), dbSNP rs750007609, ClinGen allele CA1942838.